The following is an entry in ClinVar:

NM_021975.4(RELA):c.796G>A (p.Val266Met)

Gene: RELA (RELA proto-oncogene, NF-kB subunit; minus strand). Cytogenetic location: 11q13.1.
Variant type: single nucleotide variant.
Coding change: c.796G>A on transcript NM_021975.4 (MANE Select); coding-DNA position 796, G replaced by A.
Protein change: p.Val266Met; replaces valine 266 with methionine.
Molecular consequence: missense variant.
Genome position (GRCh38, 1-based): chr11:65,658,368, C>T on the plus strand (G>A on the coding strand, the complement: RELA is on the minus strand). VCF-style: chr11-65658368-C-T. GRCh37 (hg19) VCF-style: chr11-65425839-C-T.
Other names: c.787G>A, p.Val263Met (NM_001145138.2); c.796G>A, p.Val266Met (NM_001243984.2, NM_001243985.2); c.829G>A, p.Val277Met (NM_001404657.1); c.769G>A, p.Val257Met (NM_001404658.1); c.415G>A, p.Val139Met (NM_001404661.1); c.703G>A, p.Val235Met (NM_001404662.1, NM_001404663.1); short protein forms V139M, V257M, V263M, V235M, V266M, V277M.
Identifiers: ClinVar variation 1940605 (VCV001940605.6), dbSNP rs758298850, ClinGen allele CA6106797.
Genomic context (GRCh38, chr11:65,658,368, plus strand): 5'-ATTCCATGGGCTCACTGAGCTCCCGGTCGGAAGGCCGCCGCAGCTGCATGGAGACACGCA[C>T]AGGAGCCTGCAGGCTGGGGTCTGCGTAGGGAGGGGTCCGGAACACAATGGCCACTTGTCG-3'
Protein context (NP_068810.3, residues 256-276): PYADPSLQAP[Val266Met]RVSMQLRRPS

ClinVar aggregate classification (germline): Uncertain significance. Review status: criteria provided, multiple submitters, no conflicts (2 of 4 stars). 2 submissions from 2 submitters: Uncertain significance (2). Last evaluated 2023-08-28.

gnomAD v4.1: 9 of 1,613,766 alleles (0.00056%); highest among the groups gnomAD compares: African/African-American, 0.012%; no homozygotes.

Submissions (2):

Labcorp Genetics (formerly Invitae), Labcorp
Classification: Uncertain significance. Last evaluated: 2023-08-28. Review status: criteria provided, single submitter. Criteria: Invitae Variant Classification Sherloc (09022015). Collection method: clinical testing. Allele origin: germline.
Comment: This variant has not been reported in the literature in individuals affected with RELA-related conditions. This variant is present in population databases (rs758298850, gnomAD 0.01%). This sequence change replaces valine, which is neutral and non-polar, with methionine, which is neutral and non-polar, at codon 266 of the RELA protein (p.Val266Met). In summary, the available evidence is currently insufficient to determine the role of this variant in disease. Therefore, it has been classified as a Variant of Uncertain Significance. An algorithm developed to predict the effect of missense changes on protein structure and function (PolyPhen-2) suggests that this variant is likely to be disruptive. ClinVar contains an entry for this variant (Variation ID: 1940605).

Ambry Genetics
Classification: Uncertain significance. Last evaluated: 2021-10-12. Review status: criteria provided, single submitter. Criteria: Ambry Variant Classification Scheme 2023. Collection method: clinical testing. Allele origin: germline.